The following is an entry in ClinVar:

ClinVar aggregate classification (germline): Uncertain significance. Review status: criteria provided, multiple submitters, no conflicts (2 of 4 stars). 2 submissions from 2 submitters: Uncertain significance (2). Last evaluated 2026-02-17.

Conditions:
Polycystic kidney disease 4 (PKD4). Also called: POLYCYSTIC KIDNEY DISEASE 4 WITH OR WITHOUT POLYCYSTIC LIVER DISEASE; Autosomal Recessive Polycystic Kidney Disease – PKHD1; POLYCYSTIC KIDNEY AND HEPATIC DISEASE 1; POLYCYSTIC KIDNEY DISEASE, INFANTILE, TYPE I; PKD3. Identifiers: MedGen C4540575, MONDO:0033004, OMIM 263200.

gnomAD v4.1: 1 of 1,614,010 alleles (0.000062%); highest among the groups gnomAD compares: Non-Finnish European, 0.000085%; no homozygotes.

Submissions (2):

Dasa
Classification: Uncertain significance for Polycystic kidney disease 4. Last evaluated: 2026-02-17. Review status: criteria provided, single submitter. Criteria: DASA Assertion Criteria. Collection method: clinical testing. Allele origin: germline.
Comment: NM_138694.4(PKHD1):c.4469C>T (p.Ala1490Val) is a missense variant that results in the substitution of alanine with valine. This variant is rare in population databases. Computational prediction algorithms are consistent with a benign effect. The currently available literature and clinical evidence are not sufficient to establish a definitive association between this variant and the reported condition. Therefore, this variant is classified as a variant of uncertain significance.

Laboratorio de Genetica e Diagnostico Molecular, Hospital Israelita Albert Einstein
Classification: Uncertain significance for Polycystic kidney disease 4. Last evaluated: 2024-06-12. Review status: criteria provided, single submitter. Criteria: ACMG Guidelines, 2015. Collection method: clinical testing. Allele origin: germline. Affected: yes.
Comment: ACMG classification criteria: PM2 supporting, BP4 supporting

NM_138694.4(PKHD1):c.4469C>T (p.Ala1490Val)

Gene: PKHD1 (PKHD1 ciliary IPT domain containing fibrocystin/polyductin; minus strand). Cytogenetic location: 6p12.2.
Variant type: single nucleotide variant.
Coding change: c.4469C>T on transcript NM_138694.4 (MANE Select); coding-DNA position 4469, C replaced by T.
Protein change: p.Ala1490Val; replaces alanine 1490 with valine.
Molecular consequence: missense variant.
Genome position (GRCh38, 1-based): chr6:52,025,341, G>A on the plus strand (C>T on the coding strand, the complement: PKHD1 is on the minus strand). VCF-style: chr6-52025341-G-A. GRCh37 (hg19) VCF-style: chr6-51890139-G-A.
Other names: c.4469C>T, p.Ala1490Val (NM_170724.3); short protein forms A1490V.
Identifiers: ClinVar variation 4056735 (VCV004056735.3).